The following is an entry in ClinVar:

NM_018706.7(DHTKD1):c.234C>T (p.Thr78=)

Gene: DHTKD1 (dehydrogenase E1 and transketolase domain containing 1; plus strand). Cytogenetic location: 10p14.
Variant type: single nucleotide variant.
Coding change: c.234C>T on transcript NM_018706.7 (MANE Select); coding-DNA position 234, C replaced by T.
Protein change: p.Thr78=; no amino-acid change (threonine 78 retained).
Molecular consequence: synonymous variant.
Genome position (GRCh38, 1-based): chr10:12,081,551, C>T. VCF-style: chr10-12081551-C-T. GRCh37 (hg19) VCF-style: chr10-12123550-C-T.
Identifiers: ClinVar variation 716684 (VCV000716684.13), dbSNP rs138526346, ClinGen allele CA5407476.
Genomic context (GRCh38, chr10:12,081,551, plus strand): 5'-GTTGGTGACAGTATATTGTGAGCATGGTCATAAAGCTGCCAAAATCAACCCCCTCTTCAC[C>T]GGACAAGCCCTGCTGGAGAATGTGCCTGAAATCCAAGCCCTGGTGCAGACACTGCAGGGA-3'
Protein context (NP_061176.4, residues 68-88): HKAAKINPLF[Thr78=]GQALLENVPE

ClinVar aggregate classification (germline): Benign/Likely benign. Review status: criteria provided, multiple submitters, no conflicts (2 of 4 stars). 3 submissions from 3 submitters: Benign (1); Likely benign (1). 1 of the submissions does not count toward it. Last evaluated 2025-12-22.

Conditions:
DHTKD1-related disorder. Also called: DHTKD1-related condition.
2-aminoadipic 2-oxoadipic aciduria (AAKAD). Also called: ALPHA-AMINOADIPIC AND ALPHA-KETOADIPIC ACIDURIA; Aminoadipic aciduria. Identifiers: Orphanet 79154, MedGen C1859817, MONDO:0008774, OMIM 204750.

Allele frequency attached by ClinVar (database versions not stated): 1000 Genomes Project 0.00160; ESP Exome Variant Server 0.00185; gnomAD exomes 0.00018 and 0.00033; ExAC 0.00042; gnomAD 0.00126 and 0.00138; TOPMed 0.00138; 1000 Genomes Project 30x 0.00156.
gnomAD v4.1: 467 of 1,614,128 alleles (0.029%); highest among the groups gnomAD compares: African/African-American, 0.43%; 1 homozygote.

Submissions (3):

Labcorp Genetics (formerly Invitae), Labcorp
Classification: Benign for 2-aminoadipic 2-oxoadipic aciduria. Last evaluated: 2025-12-22. Review status: criteria provided, single submitter. Criteria: Invitae Variant Classification Sherloc (09022015). Collection method: clinical testing. Allele origin: germline.

Women's Health and Genetics/Laboratory Corporation of America, LabCorp
Classification: Likely benign. Last evaluated: 2025-09-03. Review status: criteria provided, single submitter. Criteria: LabCorp Variant Classification Summary - May 2015. Collection method: clinical testing. Allele origin: germline.

PreventionGenetics, part of Exact Sciences
Classification: Likely benign for DHTKD1-related condition. Last evaluated: 2019-02-19. Review status: no assertion criteria provided. Collection method: clinical testing. Allele origin: germline. Not counted in ClinVar's aggregate classification.
Comment: This variant is classified as likely benign based on ACMG/AMP sequence variant interpretation guidelines (Richards et al. 2015 PMID: 25741868, with internal and published modifications).